The following is an entry in ClinVar:

NM_001042492.3(NF1):c.2851-10C>G

Gene: NF1 (neurofibromin 1; plus strand). Cytogenetic location: 17q11.2.
Variant type: single nucleotide variant.
Coding change: c.2851-10C>G on transcript NM_001042492.3 (MANE Select); 10 bases into the intron before coding-DNA position 2851, C replaced by G.
Molecular consequence: intron variant.
Genome position (GRCh38, 1-based): chr17:31,229,825, C>G. VCF-style: chr17-31229825-C-G. GRCh37 (hg19) VCF-style: chr17-29556843-C-G.
Other names: c.2851-10C>G (NM_000267.4).
Identifiers: ClinVar variation 527639 (VCV000527639.10), dbSNP rs1555614412, ClinGen allele CA658798754.

ClinVar aggregate classification (germline): Conflicting classifications of pathogenicity. Review status: criteria provided, conflicting classifications (1 of 4 stars). 3 submissions from 3 submitters: Uncertain significance (2); Likely benign (1). Last evaluated 2025-12-21.

Conditions:
Hereditary cancer-predisposing syndrome. Also called: Hereditary neoplastic syndrome; Tumor predisposition; Neoplastic Syndromes, Hereditary; Hereditary Cancer Syndrome. Identifiers: Orphanet 140162, MedGen C0027672, MeSH D009386, MONDO:0015356.
Neurofibromatosis, type 1 (NF1). Also called: Peripheral type neurofibromatosis; NEUROFIBROMATOSIS, TYPE I, SOMATIC; Neurofibromatosis, type I; VON RECKLINGHAUSEN DISEASE. Identifiers: Orphanet 636, MedGen C0027831, MONDO:0018975, OMIM 162200. Disease mechanism: loss of function.

gnomAD v4.1: 1 of 1,611,498 alleles (0.000062%); highest among the groups gnomAD compares: Non-Finnish European, 0.000085%; no homozygotes.

Submissions (3):

Clinical Genomics Laboratory, Washington University in St. Louis
Classification: Uncertain significance for Neurofibromatosis, type 1. Last evaluated: 2025-12-21. Review status: criteria provided, single submitter. Criteria: ACMG Guidelines, 2015. Collection method: clinical testing. Allele origin: germline.
Comment: An NF1 c.2851-10C>G variant was identified at a near heterozygous allelic fraction of 47.6%, a frequency which may be consistent with it being of germline origin. This variant, to our knowledge, has not been reported in the medical literature but has been reported in the ClinVar database as a germline variant of uncertain significance by one submitter and a likely benign variant by one submitter (ClinVar Variation ID: 527639). It is only observed on 1/1,611,498 alleles in the general population (gnomAD v4.1.0), indicating it is not a common variant. Computational predictors are uncertain as to the impact of this variant on NF1 function. Due to limited information, and based on ACMG/AMP guidelines for variant interpretation (Richards S et al., PMID: 25741868), the clinical significance of this variant is uncertain at this time.

Labcorp Genetics (formerly Invitae), Labcorp
Classification: Likely benign for Neurofibromatosis, type 1. Last evaluated: 2025-12-13. Review status: criteria provided, single submitter. Criteria: Invitae Variant Classification Sherloc (09022015). Collection method: clinical testing. Allele origin: germline.

Sema4
Classification: Uncertain significance for Hereditary cancer-predisposing syndrome. Last evaluated: 2021-09-02. Review status: criteria provided, single submitter. Criteria: Sema4 Curation Guidelines. Collection method: curation. Allele origin: germline.
Comment: The NF1 c.2851-10C>G variant has not been reported in literature to our knowledge. This variant was not observed in the large and broad cohorts of the Genome Aggregation Database (PMID: 32461654). This variant has been reported in ClinVar (Variation ID 527639). In silico tools that predict the effect of sequence changes on splicing suggest that this variant may not impact splicing, though these predictions have not been confirmed by functional studies. The overall evidence is insufficient to meet ACMG/AMP criteria for classifying it as benign or pathogenic. In summary, the clinical significance of this variant is currently uncertain.